The following is an entry in ClinVar:

ClinVar aggregate classification (germline): Uncertain significance (1 of 4 stars; one submission).

Conditions:
Chédiak-Higashi syndrome (CHS). Also called: Chediak-Higashi Syndrome. Identifiers: Orphanet 167, MedGen C0007965, MONDO:0008963, OMIM 214500.

Allele frequency attached by ClinVar (database versions not stated): TOPMed below 0.00001; ExAC 0.00001; ESP Exome Variant Server 0.00008.

Submission:

Labcorp Genetics (formerly Invitae), Labcorp
Classification: Uncertain significance for Chédiak-Higashi syndrome. Last evaluated: 2023-03-27. Review status: criteria provided, single submitter. Criteria: Invitae Variant Classification Sherloc (09022015). Collection method: clinical testing. Allele origin: germline.
Comment: In summary, the available evidence is currently insufficient to determine the role of this variant in disease. Therefore, it has been classified as a Variant of Uncertain Significance. Advanced modeling of protein sequence and biophysical properties (such as structural, functional, and spatial information, amino acid conservation, physicochemical variation, residue mobility, and thermodynamic stability) performed at Invitae indicates that this missense variant is not expected to disrupt LYST protein function. This variant has not been reported in the literature in individuals affected with LYST-related conditions. This variant is present in population databases (rs371984606, gnomAD 0.009%). This sequence change replaces aspartic acid, which is acidic and polar, with tyrosine, which is neutral and polar, at codon 1731 of the LYST protein (p.Asp1731Tyr).

NM_000081.4(LYST):c.5191G>T (p.Asp1731Tyr)

Gene: LYST (lysosomal trafficking regulator; minus strand). Cytogenetic location: 1q42.3.
Variant type: single nucleotide variant.
Coding change: c.5191G>T on transcript NM_000081.4 (MANE Select); coding-DNA position 5191, G replaced by T.
Protein change: p.Asp1731Tyr; replaces aspartic acid 1731 with tyrosine.
Molecular consequence: missense variant.
Genome position (GRCh38, 1-based): chr1:235,780,888, C>A on the plus strand (G>T on the coding strand, the complement: LYST is on the minus strand). VCF-style: chr1-235780888-C-A. GRCh37 (hg19) VCF-style: chr1-235944188-C-A.
Other names: c.5191G>T, p.Asp1731Tyr (NM_001301365.1); short protein forms D1731Y.
Identifiers: ClinVar variation 2959790 (VCV002959790.3), dbSNP rs371984606, ClinGen allele CA1466679.